The following is an entry in ClinVar:

ClinVar aggregate classification (germline): Uncertain significance. Review status: criteria provided, multiple submitters, no conflicts (2 of 4 stars). 3 submissions from 3 submitters: Uncertain significance (3). Last evaluated 2024-02-14.

Conditions:
Inborn genetic diseases. Identifiers: MedGen C0950123, MeSH D030342.

Allele frequency attached by ClinVar (database versions not stated): 1000 Genomes Project 30x 0.00016; ESP Exome Variant Server 0.00017; TOPMed 0.00018; gnomAD 0.00019 and 0.00022; 1000 Genomes Project 0.00020.

Submissions (3):

Ambry Genetics
Classification: Uncertain significance for Inborn genetic diseases. Last evaluated: 2024-02-14. Review status: criteria provided, single submitter. Criteria: Ambry Variant Classification Scheme 2023. Collection method: clinical testing. Allele origin: germline.

Labcorp Genetics (formerly Invitae), Labcorp
Classification: Uncertain significance. Last evaluated: 2022-03-02. Review status: criteria provided, single submitter. Criteria: Invitae Variant Classification Sherloc (09022015). Collection method: clinical testing. Allele origin: germline.
Comment: This sequence change replaces aspartic acid, which is acidic and polar, with glutamic acid, which is acidic and polar, at codon 110 of the RTTN protein (p.Asp110Glu). This variant is present in population databases (rs372296200, gnomAD 0.06%). This variant has not been reported in the literature in individuals affected with RTTN-related conditions. ClinVar contains an entry for this variant (Variation ID: 212082). Algorithms developed to predict the effect of missense changes on protein structure and function are either unavailable or do not agree on the potential impact of this missense change (SIFT: "Deleterious"; PolyPhen-2: "Probably Damaging"; Align-GVGD: "Class C0"). In summary, the available evidence is currently insufficient to determine the role of this variant in disease. Therefore, it has been classified as a Variant of Uncertain Significance.

Genetic Services Laboratory, University of Chicago
Classification: Uncertain significance. Last evaluated: 2014-07-25. Review status: criteria provided, single submitter. Criteria: ACMG Guidelines, 2015. Collection method: clinical testing. Allele origin: germline.

NM_173630.4(RTTN):c.330T>A (p.Asp110Glu)

Gene: RTTN (rotatin; minus strand). Cytogenetic location: 18q22.2.
Variant type: single nucleotide variant.
Coding change: c.330T>A on transcript NM_173630.4 (MANE Select); coding-DNA position 330, T replaced by A.
Protein change: p.Asp110Glu; replaces aspartic acid 110 with glutamic acid.
Molecular consequence: missense variant. On other transcripts: 5 prime UTR variant (1).
Genome position (GRCh38, 1-based): chr18:70,204,153, A>T on the plus strand (T>A on the coding strand, the complement: RTTN is on the minus strand). VCF-style: chr18-70204153-A-T. GRCh37 (hg19) VCF-style: chr18-67871389-A-T.
Other names: c.-2224T>A (NM_001318520.2); short protein forms D110E.
Identifiers: ClinVar variation 212082 (VCV000212082.9), dbSNP rs372296200, ClinGen allele CA207800.